The following is an entry in ClinVar:

NM_001378454.1(ALMS1):c.4705A>G (p.Thr1569Ala)

Gene: ALMS1 (ALMS1 centrosome and basal body associated protein; plus strand). Cytogenetic location: 2p13.1.
Variant type: single nucleotide variant.
Coding change: c.4705A>G on transcript NM_001378454.1 (MANE Select); coding-DNA position 4705, A replaced by G.
Protein change: p.Thr1569Ala; replaces threonine 1569 with alanine.
Molecular consequence: missense variant.
Genome position (GRCh38, 1-based): chr2:73,451,232, A>G. VCF-style: chr2-73451232-A-G. GRCh37 (hg19) VCF-style: chr2-73678359-A-G.
Other names: c.4708A>G, p.Thr1570Ala (NM_015120.4); short protein forms T1569A, T1570A.
Identifiers: ClinVar variation 3619688 (VCV003619688.2).

ClinVar aggregate classification (germline): Uncertain significance (1 of 4 stars; one submission).

Conditions:
Alstrom syndrome (ALMS). Identifiers: Orphanet 64, MedGen C0268425, MONDO:0008763, OMIM 203800.

gnomAD v4.1: 3 of 1,610,300 alleles (0.00019%); highest among the groups gnomAD compares: African/African-American, 0.0014%; no homozygotes.

Submission:

Labcorp Genetics (formerly Invitae), Labcorp
Classification: Uncertain significance for Alstrom syndrome. Last evaluated: 2024-05-02. Review status: criteria provided, single submitter. Criteria: Invitae Variant Classification Sherloc (09022015). Collection method: clinical testing. Allele origin: germline.
Comment: This sequence change replaces threonine, which is neutral and polar, with alanine, which is neutral and non-polar, at codon 1570 of the ALMS1 protein (p.Thr1570Ala). This variant is not present in population databases (gnomAD no frequency). This variant has not been reported in the literature in individuals affected with ALMS1-related conditions. Experimental studies and prediction algorithms are not available or were not evaluated, and the functional significance of this variant is currently unknown. In summary, the available evidence is currently insufficient to determine the role of this variant in disease. Therefore, it has been classified as a Variant of Uncertain Significance.